The following is an entry in ClinVar:

ClinVar aggregate classification (germline): Uncertain significance. Review status: criteria provided, multiple submitters, no conflicts (2 of 4 stars). 3 submissions from 3 submitters: Uncertain significance (3). Last evaluated 2025-10-24.

Conditions:
Myofibrillar myopathy 4. Also called: Zaspopathy (type). Identifiers: Orphanet 98912, MedGen C4721886, MONDO:0012277, OMIM 609452.

Allele frequency attached by ClinVar (database versions not stated): ExAC 0.00001; gnomAD exomes 0.00001 and 0.00002.
gnomAD v4.1: 36 of 1,614,132 alleles (0.0022%); highest among the groups gnomAD compares: Non-Finnish European, 0.0029%; no homozygotes.

Submissions (3):

Labcorp Genetics (formerly Invitae), Labcorp
Classification: Uncertain significance for Myofibrillar myopathy 4. Last evaluated: 2025-10-24. Review status: criteria provided, single submitter. Criteria: Invitae Variant Classification Sherloc (09022015). Collection method: clinical testing. Allele origin: germline.
Comment: The LDB3 gene has multiple clinically relevant transcripts. This variant occurs in alternate transcript NM_007078.3, and corresponds to NM_001080116.1:c.*18649A>G in the primary transcript. This sequence change replaces tyrosine, which is neutral and polar, with cysteine, which is neutral and slightly polar, at codon 579 of the LDB3 protein (p.Tyr579Cys). This variant is present in population databases (rs199749907, gnomAD 0.002%). This variant has not been reported in the literature in individuals affected with LDB3-related conditions. Experimental studies and prediction algorithms are not available or were not evaluated, and the functional significance of this variant is currently unknown. In summary, the available evidence is currently insufficient to determine the role of this variant in disease. Therefore, it has been classified as a Variant of Uncertain Significance.

AiLife Diagnostics
Classification: Uncertain significance. Last evaluated: 2022-01-26. Review status: criteria provided, single submitter. Criteria: ACMG Guidelines, 2015. Collection method: clinical testing. Allele origin: germline. Affected: yes. Observed: 2 variant alleles.

Biesecker Lab/Clinical Genomics Section, National Institutes of Health
Classification: Uncertain significance. Last evaluated: 2013-06-24. Review status: criteria provided, single submitter. Criteria: Ng et al. (Circ Cardiovasc Genet. 2013). Collection method: research. Allele origin: unknown. Observed: 1 variant allele. Study: ClinSeq.
Comment: The study set was not selected for affection status in relation to any cancer. Pathogenicity categories were based on literature curation. See Pubmed ID:23861362 for details.

Medical sequencing

NM_007078.3(LDB3):c.1736A>G (p.Tyr579Cys)

Gene: LDB3 (LIM domain binding 3; plus strand). Cytogenetic location: 10q23.2.
Variant type: single nucleotide variant.
Coding change: c.1736A>G on transcript NM_007078.3 (MANE Select); coding-DNA position 1736, A replaced by G.
Protein change: p.Tyr579Cys; replaces tyrosine 579 with cysteine.
Molecular consequence: missense variant.
Genome position (GRCh38, 1-based): chr10:86,718,023, A>G. VCF-style: chr10-86718023-A-G. GRCh37 (hg19) VCF-style: chr10-88477780-A-G.
Other names: c.1736A>G (LRG_385t1); c.1406A>G, p.Tyr469Cys (NM_001080114.2); c.1751A>G, p.Tyr584Cys (NM_001171610.2); c.1547A>G, p.Tyr516Cys (NM_001368064.1, NM_001368065.1); c.1595A>G, p.Tyr532Cys (NM_001368066.1); short protein forms Y469C, Y579C, Y584C, Y532C, Y516C.
Identifiers: ClinVar variation 191700 (VCV000191700.10), dbSNP rs199749907, ClinGen allele CA237305.